The following is an entry in ClinVar:

NM_014762.4(DHCR24):c.*392C>T

Gene: DHCR24 (24-dehydrocholesterol reductase; minus strand). Cytogenetic location: 1p32.3.
Variant type: single nucleotide variant.
Coding change: c.*392C>T on transcript NM_014762.4 (MANE Select); 392 bases downstream of the stop codon, C replaced by T.
Molecular consequence: 3 prime UTR variant.
Genome position (GRCh38, 1-based): chr1:54,851,841, G>A on the plus strand (C>T on the coding strand, the complement: DHCR24 is on the minus strand). VCF-style: chr1-54851841-G-A. GRCh37 (hg19) VCF-style: chr1-55317514-G-A.
Identifiers: ClinVar variation 297644 (VCV000297644.5), dbSNP rs116490123, ClinGen allele CA10610143.

ClinVar aggregate classification (germline): Likely benign (1 of 4 stars; one submission).

Conditions:
Desmosterolosis. Identifiers: Orphanet 35107, MedGen C1865596, MONDO:0011217, OMIM 602398.

Allele frequency attached by ClinVar (database versions not stated): gnomAD exomes 0.00083; gnomAD 0.00289 and 0.00293; 1000 Genomes Project 0.00319; 1000 Genomes Project 30x 0.00328; TOPMed 0.00351.
gnomAD v4.1: 528 of 252,714 alleles (0.21%); highest among the groups gnomAD compares: African/African-American, 0.84%; 5 homozygotes.

Submission:

Illumina Laboratory Services, Illumina
Classification: Likely benign for Desmosterolosis. Last evaluated: 2018-01-13. Review status: criteria provided, single submitter. Criteria: ICSL Variant Classification Criteria 13 December 2019. Collection method: clinical testing. Allele origin: germline.
Comment: This variant was observed in the ICSL laboratory as part of a predisposition screen in an ostensibly healthy population. It had not been previously curated by ICSL or reported in the Human Gene Mutation Database (HGMD: prior to June 1st, 2018), and was therefore a candidate for classification through an automated scoring system. Utilizing variant allele frequency, disease prevalence and penetrance estimates, and inheritance mode, an automated score was calculated to assess if this variant is too frequent to cause the disease. Based on the score and internal cut-off values, a variant classified as likely benign is not then subjected to further curation. The score for this variant resulted in a classification of likely benign for this disease.